The following is an entry in ClinVar:

ClinVar aggregate classification (germline): Uncertain significance. Review status: criteria provided, multiple submitters, no conflicts (2 of 4 stars). 2 submissions from 2 submitters: Uncertain significance (2). Last evaluated 2025-11-09.

Allele frequency attached by ClinVar (database versions not stated): gnomAD 0.00001; gnomAD exomes 0.00001; TOPMed 0.00003.
gnomAD v4.1: 16 of 1,614,004 alleles (0.00099%); highest among the groups gnomAD compares: South Asian, 0.0066%; no homozygotes.

Submissions (2):

Labcorp Genetics (formerly Invitae), Labcorp
Classification: Uncertain significance. Last evaluated: 2025-11-09. Review status: criteria provided, single submitter. Criteria: Invitae Variant Classification Sherloc (09022015). Collection method: clinical testing. Allele origin: germline.
Comment: This sequence change replaces aspartic acid, which is acidic and polar, with asparagine, which is neutral and polar, at codon 612 of the KANK1 protein (p.Asp612Asn). This variant is present in population databases (no rsID available, gnomAD 0.02%). This variant has not been reported in the literature in individuals affected with KANK1-related conditions. ClinVar contains an entry for this variant (Variation ID: 1902746). Invitae Evidence Modeling of protein sequence and biophysical properties (such as structural, functional, and spatial information, amino acid conservation, physicochemical variation, residue mobility, and thermodynamic stability) indicates that this missense variant is not expected to disrupt KANK1 protein function with a negative predictive value of 80%. In summary, the available evidence is currently insufficient to determine the role of this variant in disease. Therefore, it has been classified as a Variant of Uncertain Significance.

Ambry Genetics
Classification: Uncertain significance. Last evaluated: 2022-09-14. Review status: criteria provided, single submitter. Criteria: Ambry Variant Classification Scheme 2023. Collection method: clinical testing. Allele origin: germline.

NM_015158.5(KANK1):c.1834G>A (p.Asp612Asn)

Gene: KANK1 (KN motif and ankyrin repeat domains 1; plus strand). Cytogenetic location: 9p24.3.
Variant type: single nucleotide variant.
Coding change: c.1834G>A on transcript NM_015158.5 (MANE Select); coding-DNA position 1834, G replaced by A.
Protein change: p.Asp612Asn; replaces aspartic acid 612 with asparagine.
Molecular consequence: missense variant. On other transcripts: non-coding transcript variant (1).
Genome position (GRCh38, 1-based): chr9:712,600, G>A. VCF-style: chr9-712600-G-A. GRCh37 (hg19) VCF-style: chr9-712600-G-A.
Other names: c.1834G>A, p.Asp612Asn (NM_001256876.3, NM_001256877.3, NM_001354331.2 and 2 more transcripts); c.1360G>A, p.Asp454Asn (NM_001354333.2, NM_001354335.2, NM_001354336.2 and 9 more transcripts); short protein forms D454N, D612N.
Identifiers: ClinVar variation 1902746 (VCV001902746.6), dbSNP rs1197583692, ClinGen allele CA372749053.